The following continues an entry in ClinVar:

NM_000038.6(APC):c.5465T>A (p.Val1822Asp)

Gene: APC. ClinVar aggregate classification (germline): Benign. Benign (1).

Submissions 21 to 27 of 27:

Clinical Genetics, Academic Medical Center
Classification: Benign. Review status: no assertion criteria provided. Collection method: clinical testing. Allele origin: germline. Affected: yes. Study: VKGL Data-share Consensus. Not counted in ClinVar's aggregate classification.

Department of Pathology and Laboratory Medicine, Sinai Health System
Classification: Benign for Familial multiple polyposis syndrome. Review status: no assertion criteria provided. Collection method: clinical testing. Allele origin: unknown. Affected: yes. Study: The Canadian Open Genetics Repository (COGR). Not counted in ClinVar's aggregate classification.
Comment: This p.Val1822Asp variant is not expected to have clinical significance because this residue is not conserved and the variant amino acid (Asp) is present in other mammals such as chimp, macaque, rat and dog as well as some lower evolutionary species, increasing the likelihood that this is a benign variant. In addition, it is not located near a splice junction, and is listed in dbSNP (id:rs459552) with a minor allele frequency of 0.140 in a Caucasian population. The clinical relevance of this variant is still under debate, since some studies showed that it could act as a low-penetrance allele that increases the risk of developing colorectal cancer (CRC) while others consider it as a common polymorphism without clinical consequences (Picelli_2010_20149637). In summary, based on the above information, the p.Val1822Asp variant is predicted to be benign, but we cannot rule out the possibility that this may be a low-penetrance polymorphic allele that increases risk of CRC.

Diagnostic Laboratory, Department of Genetics, University Medical Center Groningen
Classification: Benign. Review status: no assertion criteria provided. Collection method: clinical testing. Allele origin: germline. Affected: yes. Study: VKGL Data-share Consensus. Not counted in ClinVar's aggregate classification.

GeneReviews
No classification provided. Condition: Familial adenomatous polyposis 1. Review status: no classification provided. Collection method: literature only. Allele origin: unknown. Not counted in ClinVar's aggregate classification.

Joint Genome Diagnostic Labs from Nijmegen and Maastricht, Radboudumc and MUMC+
Classification: Benign. Review status: no assertion criteria provided. Collection method: clinical testing. Allele origin: germline. Affected: yes. Study: VKGL Data-share Consensus. Not counted in ClinVar's aggregate classification.

Mayo Clinic Laboratories, Mayo Clinic
Classification: Benign. Review status: no assertion criteria provided. Collection method: clinical testing. Allele origin: unknown. Not counted in ClinVar's aggregate classification.

Systems Biology Platform Zhejiang California International NanoSystems Institute
Classification: other for Familial colorectal cancer. Review status: no assertion criteria provided. Collection method: not provided. Allele origin: unknown. Not counted in ClinVar's aggregate classification.
ClinVar note: Converted during submission from cancer to other.

Literature cited by the submitters: PubMed 23576677 (cited by Pathway Genomics); PubMed 23159591 (cited by Pathway Genomics); PubMed 24039736 (cited by Pathway Genomics); PubMed 24728327 (cited by ITMI); PubMed 14616385 (cited by Laboratory for Molecular Medicine, Mass General Brigham Personalized Medicine); PubMed 11221825 (cited by GeneReviews); PubMed 17556698 (cited by GeneReviews); PubMed 20301519 (cited by GeneReviews); NCBI Bookshelf NBK1345 (cited by GeneReviews).